The following is an entry in ClinVar:

NM_001845.6(COL4A1):c.483G>T (p.Glu161Asp)

Gene: COL4A1 (collagen type IV alpha 1 chain; minus strand). Cytogenetic location: 13q34.
Variant type: single nucleotide variant.
Coding change: c.483G>T on transcript NM_001845.6 (MANE Select); coding-DNA position 483, G replaced by T.
Protein change: p.Glu161Asp; replaces glutamic acid 161 with aspartic acid.
Molecular consequence: missense variant.
Genome position (GRCh38, 1-based): chr13:110,210,198, C>A on the plus strand (G>T on the coding strand, the complement: COL4A1 is on the minus strand). VCF-style: chr13-110210198-C-A. GRCh37 (hg19) VCF-style: chr13-110862545-C-A.
Other names: c.483G>T, p.Glu161Asp (NM_001303110.2); short protein forms E161D.
Identifiers: ClinVar variation 2700167 (VCV002700167.3), dbSNP rs763427536, ClinGen allele CA388725703.

ClinVar aggregate classification (germline): Uncertain significance (1 of 4 stars; one submission).

Submission:

Labcorp Genetics (formerly Invitae), Labcorp
Classification: Uncertain significance. Last evaluated: 2024-12-09. Review status: criteria provided, single submitter. Criteria: Invitae Variant Classification Sherloc (09022015). Collection method: clinical testing. Allele origin: germline.
Comment: This sequence change replaces glutamic acid, which is acidic and polar, with aspartic acid, which is acidic and polar, at codon 161 of the COL4A1 protein (p.Glu161Asp). This variant is not present in population databases (gnomAD no frequency). This variant has not been reported in the literature in individuals affected with COL4A1-related conditions. ClinVar contains an entry for this variant (Variation ID: 2700167). Invitae Evidence Modeling of protein sequence and biophysical properties (such as structural, functional, and spatial information, amino acid conservation, physicochemical variation, residue mobility, and thermodynamic stability) indicates that this missense variant is not expected to disrupt COL4A1 protein function with a negative predictive value of 95%. In summary, the available evidence is currently insufficient to determine the role of this variant in disease. Therefore, it has been classified as a Variant of Uncertain Significance.